The following is an entry in ClinVar:

NM_024640.4(YRDC):c.129C>G (p.Pro43=)

Genes: C1orf122 (chromosome 1 open reading frame 122; plus strand), YRDC (yrdC N6-threonylcarbamoyltransferase domain containing; minus strand), LOC129930167 (ATAC-STARR-seq lymphoblastoid silent region 680; plus strand). Cytogenetic location: 1p34.3.
Variant type: single nucleotide variant.
Coding change: c.129C>G on transcript NM_024640.4 (MANE Select); coding-DNA position 129, C replaced by G.
Protein change: p.Pro43=; no amino-acid change (proline 43 retained).
Molecular consequence: synonymous variant. On other transcripts: 5 prime UTR variant (2).
Genome position (GRCh38, 1-based): chr1:37,808,052, G>C on the plus strand (C>G on the coding strand, the complement: YRDC is on the minus strand). VCF-style: chr1-37808052-G-C. GRCh37 (hg19) VCF-style: chr1-38273724-G-C.
Other names: c.-409G>C (NM_001142726.2); c.-353G>C (NM_198446.3).
Identifiers: ClinVar variation 3036401 (VCV003036401.2), dbSNP rs902782962, ClinGen allele CA20851787.

ClinVar aggregate classification (germline): Likely benign (0 of 4 stars; one submission).

Conditions:
YRDC-related disorder. Also called: YRDC-related condition.

Allele frequency attached by ClinVar (database versions not stated): gnomAD 0.00003.
gnomAD v4.1: 13 of 1,316,334 alleles (0.00099%); highest among the groups gnomAD compares: Admixed American, 0.021%; no homozygotes.

Submission:

PreventionGenetics, part of Exact Sciences
Classification: Likely benign for YRDC-related condition. Last evaluated: 2022-12-20. Review status: no assertion criteria provided. Collection method: clinical testing. Allele origin: germline.
Comment: This variant is classified as likely benign based on ACMG/AMP sequence variant interpretation guidelines (Richards et al. 2015 PMID: 25741868, with internal and published modifications).